The following is an entry in ClinVar:

ClinVar aggregate classification (germline): Conflicting classifications of pathogenicity. Review status: criteria provided, conflicting classifications (1 of 4 stars). 3 submissions from 3 submitters: Uncertain significance (1); Likely benign (1). 1 of the submissions does not count toward it. Last evaluated 2026-07-20.

Conditions:
Inborn genetic diseases. Identifiers: MedGen C0950123, MeSH D030342.
Autosomal recessive osteopetrosis 1. Also called: ALBERS-SCHONBERG DISEASE, AUTOSOMAL RECESSIVE; TCIRG1-Related Autosomal Recessive Osteopetrosis; TCIRG1-Related Osteopetrosis. Identifiers: Orphanet 667, MedGen C1850127, MONDO:0009815, OMIM 259700.

Allele frequency attached by ClinVar (database versions not stated): gnomAD 0.00004 and 0.00006; gnomAD exomes 0.00004 and 0.00019; TOPMed 0.00014; 1000 Genomes Project 30x 0.00016; 1000 Genomes Project 0.00020; ExAC 0.00028.
gnomAD v4.1: 67 of 1,605,534 alleles (0.0042%); highest among the groups gnomAD compares: East Asian, 0.15%; no homozygotes.

Submissions (3):

Ambry Genetics
Classification: Uncertain significance for Inborn genetic diseases. Last evaluated: 2026-07-20. Review status: criteria provided, single submitter. Criteria: Ambry Variant Classification Scheme 2023. Collection method: clinical testing. Allele origin: germline.
Comment: The c.964G>A (p.A322T) alteration is located in exon 9 (coding exon 8) of the TCIRG1 gene. This alteration results from a G to A substitution at nucleotide position 964, causing the alanine (A) at amino acid position 322 to be replaced by a threonine (T). Based on data from gnomAD, the A allele has an overall frequency of 0.018% (47/262740) total alleles studied. The highest observed frequency was 0.249% (47/18900) of East Asian alleles. Based on insufficient or conflicting evidence, the clinical significance of this alteration remains unclear.

Labcorp Genetics (formerly Invitae), Labcorp
Classification: Likely benign. Last evaluated: 2026-01-24. Review status: criteria provided, single submitter. Criteria: Invitae Variant Classification Sherloc (09022015). Collection method: clinical testing. Allele origin: germline.

Natera, Inc.
Classification: Uncertain significance for Infantile malignant osteopetrosis. Last evaluated: 2020-04-15. Review status: no assertion criteria provided. Collection method: clinical testing. Allele origin: germline. Not counted in ClinVar's aggregate classification.

NM_006019.4(TCIRG1):c.964G>A (p.Ala322Thr)

Gene: TCIRG1 (T cell immune regulator 1, ATPase H+ transporting V0 subunit a3; plus strand). Cytogenetic location: 11q13.2.
Variant type: single nucleotide variant.
Coding change: c.964G>A on transcript NM_006019.4 (MANE Select); coding-DNA position 964, G replaced by A.
Protein change: p.Ala322Thr; replaces alanine 322 with threonine.
Molecular consequence: missense variant.
Genome position (GRCh38, 1-based): chr11:68,044,288, G>A. VCF-style: chr11-68044288-G-A. GRCh37 (hg19) VCF-style: chr11-67811755-G-A.
Other names: c.70G>A, p.Ala24Thr (NM_001351059.2); c.316G>A, p.Ala106Thr (NM_006053.4); short protein forms A106T, A24T, A322T.
Identifiers: ClinVar variation 708402 (VCV000708402.13), dbSNP rs202161177, ClinGen allele CA6146855.